The following is an entry in ClinVar:

ClinVar aggregate classification (germline): Uncertain significance (1 of 4 stars; one submission).

Submission:

GeneDx
Classification: Uncertain significance. Last evaluated: 2024-05-02. Review status: criteria provided, single submitter. Criteria: GeneDx Variant Classification Process June 2021. Collection method: clinical testing. Allele origin: germline. Affected: yes.
Comment: Not observed at significant frequency in large population cohorts (gnomAD); In silico analysis supports that this missense variant has a deleterious effect on protein structure/function; In silico analysis suggests this variant may impact gene splicing. In the absence of RNA/functional studies, the actual effect of this sequence change is unknown.; Has not been previously published as pathogenic or benign to our knowledge

NM_001375524.1(TRRAP):c.5069A>G (p.Glu1690Gly)

Genes: TRRAP (transformation/transcription domain associated protein; plus strand), LOC126860121 (MED14-independent group 3 enhancer GRCh37_chr7:98547245-98548444; plus strand). Cytogenetic location: 7q22.1.
Variant type: single nucleotide variant.
Coding change: c.5069A>G on transcript NM_001375524.1 (MANE Select); coding-DNA position 5069, A replaced by G.
Protein change: p.Glu1690Gly; replaces glutamic acid 1690 with glycine.
Molecular consequence: missense variant.
Genome position (GRCh38, 1-based): chr7:98,949,775, A>G. VCF-style: chr7-98949775-A-G. GRCh37 (hg19) VCF-style: chr7-98547398-A-G.
Other names: c.5048A>G, p.Glu1683Gly (NM_001244580.2); c.4994A>G, p.Glu1665Gly (NM_003496.4); short protein forms E1665G, E1683G, E1690G.
Identifiers: ClinVar variation 3373327 (VCV003373327.1).
Genomic context (GRCh38, chr7:98,949,775, plus strand): 5'-TGGTGAGCCAGTTGCGACGTGTGTGGGTGAGTGAGAACTTCCAAGAGAGGCACCGCAAGG[A>G]GAACATGGCAGCCACCAACTGGAAGGAGCCCAAGCTGCTGGCCTACTGCCTGCTGAACTA-3'
Protein context (NP_001362453.1, residues 1680-1700): SENFQERHRK[Glu1690Gly]NMAATNWKEP